The following is an entry in ClinVar:

ClinVar aggregate classification (germline): Uncertain significance. Review status: criteria provided, multiple submitters, no conflicts (2 of 4 stars). 2 submissions from 2 submitters: Uncertain significance (2). Last evaluated 2026-03-12.

Conditions:
CHARGE syndrome (CHARGE). Also called: Hittner Hirsch Kreh syndrome; CHARGE ASSOCIATION--COLOBOMA, HEART ANOMALY, CHOANAL ATRESIA, RETARDATION, GENITAL AND EAR ANOMALIES; Coloboma, heart anomaly, choanal atresia, retardation, genital and ear anomalies; CHARGE association; Hall-Hittner syndrome. Identifiers: Orphanet 138, MedGen C0265354, MONDO:0008965.

gnomAD v4.1: 1 of 1,605,680 alleles (0.000062%); highest among the groups gnomAD compares: Non-Finnish European, 0.000085%; no homozygotes.

Submissions (2):

GeneDx
Classification: Uncertain significance. Last evaluated: 2026-03-12. Review status: criteria provided, single submitter. Criteria: GeneDx Variant Classification Process June 2021. Collection method: clinical testing. Allele origin: germline.
Comment: Not observed at significant frequency in large population cohorts (gnomAD); In silico analysis suggests that this missense variant does not alter protein structure/function; Has not been previously published as pathogenic or benign to our knowledge

Labcorp Genetics (formerly Invitae), Labcorp
Classification: Uncertain significance for CHARGE syndrome. Last evaluated: 2024-10-02. Review status: criteria provided, single submitter. Criteria: Invitae Variant Classification Sherloc (09022015). Collection method: clinical testing. Allele origin: germline.
Comment: This sequence change replaces arginine, which is basic and polar, with lysine, which is basic and polar, at codon 2303 of the CHD7 protein (p.Arg2303Lys). This variant is not present in population databases (gnomAD no frequency). This variant has not been reported in the literature in individuals affected with CHD7-related conditions. Invitae Evidence Modeling of protein sequence and biophysical properties (such as structural, functional, and spatial information, amino acid conservation, physicochemical variation, residue mobility, and thermodynamic stability) indicates that this missense variant is not expected to disrupt CHD7 protein function with a negative predictive value of 95%. In summary, the available evidence is currently insufficient to determine the role of this variant in disease. Therefore, it has been classified as a Variant of Uncertain Significance.

NM_017780.4(CHD7):c.6908G>A (p.Arg2303Lys)

Gene: CHD7 (chromodomain helicase DNA binding protein 7; plus strand). Cytogenetic location: 8q12.2.
Variant type: single nucleotide variant.
Coding change: c.6908G>A on transcript NM_017780.4 (MANE Select); coding-DNA position 6908, G replaced by A.
Protein change: p.Arg2303Lys; replaces arginine 2303 with lysine.
Molecular consequence: missense variant. On other transcripts: intron variant (1).
Genome position (GRCh38, 1-based): chr8:60,854,495, G>A. VCF-style: chr8-60854495-G-A. GRCh37 (hg19) VCF-style: chr8-61767054-G-A.
Other names: c.1717-7734G>A (NM_001316690.1); short protein forms R2303K.
Identifiers: ClinVar variation 3615296 (VCV003615296.3).